The following is an entry in ClinVar:

ClinVar aggregate classification (germline): Uncertain significance. Review status: criteria provided, multiple submitters, no conflicts (2 of 4 stars). 2 submissions from 2 submitters: Uncertain significance (2). Last evaluated 2024-12-16.

Conditions:
Baller-Gerold syndrome (BGS). Also called: CRANIOSYNOSTOSIS WITH RADIAL DEFECTS. Identifiers: Orphanet 1225, MedGen C0265308, MONDO:0009039, OMIM 218600.
Inborn genetic diseases. Identifiers: MedGen C0950123, MeSH D030342.

Allele frequency attached by ClinVar (database versions not stated): gnomAD exomes below 0.00001; TOPMed 0.00001.
gnomAD v4.1: 2 of 1,612,700 alleles (0.00012%); highest among the groups gnomAD compares: Admixed American, 0.0017%; no homozygotes.

Submissions (2):

Ambry Genetics
Classification: Uncertain significance for Inborn genetic diseases. Last evaluated: 2024-12-16. Review status: criteria provided, single submitter. Criteria: Ambry Variant Classification Scheme 2023. Collection method: clinical testing. Allele origin: germline.
Comment: The p.A291T variant (also known as c.871G>A), located in coding exon 5 of the RECQL4 gene, results from a G to A substitution at nucleotide position 871. The alanine at codon 291 is replaced by threonine, an amino acid with similar properties. This amino acid position is conserved. In addition, this alteration is predicted to be tolerated by in silico analysis. Based on the available evidence, the clinical significance of this variant remains unclear.

Labcorp Genetics (formerly Invitae), Labcorp
Classification: Uncertain significance for Baller-Gerold syndrome. Last evaluated: 2024-11-05. Review status: criteria provided, single submitter. Criteria: Invitae Variant Classification Sherloc (09022015). Collection method: clinical testing. Allele origin: germline.
Comment: This sequence change replaces alanine, which is neutral and non-polar, with threonine, which is neutral and polar, at codon 291 of the RECQL4 protein (p.Ala291Thr). This variant is not present in population databases (gnomAD no frequency). This variant has not been reported in the literature in individuals affected with RECQL4-related conditions. ClinVar contains an entry for this variant (Variation ID: 963494). Invitae Evidence Modeling of protein sequence and biophysical properties (such as structural, functional, and spatial information, amino acid conservation, physicochemical variation, residue mobility, and thermodynamic stability) indicates that this missense variant is not expected to disrupt RECQL4 protein function with a negative predictive value of 80%. In summary, the available evidence is currently insufficient to determine the role of this variant in disease. Therefore, it has been classified as a Variant of Uncertain Significance.

NM_004260.4(RECQL4):c.871G>A (p.Ala291Thr)

Gene: RECQL4 (RecQ like helicase 4; minus strand). Cytogenetic location: 8q24.3.
Variant type: single nucleotide variant.
Coding change: c.871G>A on transcript NM_004260.4 (MANE Select); coding-DNA position 871, G replaced by A.
Protein change: p.Ala291Thr; replaces alanine 291 with threonine.
Molecular consequence: missense variant.
Genome position (GRCh38, 1-based): chr8:144,516,248, C>T on the plus strand (G>A on the coding strand, the complement: RECQL4 is on the minus strand). VCF-style: chr8-144516248-C-T. GRCh37 (hg19) VCF-style: chr8-145741632-C-T.
Other names: short protein forms A291T.
Identifiers: ClinVar variation 963494 (VCV000963494.6), dbSNP rs1814953388, ClinGen allele CA372688870.
Genomic context (GRCh38, chr8:144,516,248, plus strand): 5'-AGGGCTGAGGTGGCTGTGCCTGTACAGGTTCCCCTGGAGGGTCTTCCTCAACTGCTACAG[C>T]CCCAGCCCCCTCCGATGGGGGTCCAGCTTGGCTGCTCTCCTGCTGGACCTGTGCGGGGCT-3'
Protein context (NP_004251.4, residues 281-301): QAGPPSEGAG[Ala291Thr]VAVEEDPPGE